The following is an entry in ClinVar:

NM_024854.5(PYROXD1):c.1057A>G (p.Ile353Val)

Gene: PYROXD1 (pyridine nucleotide-disulphide oxidoreductase domain 1; plus strand). Cytogenetic location: 12p12.1.
Variant type: single nucleotide variant.
Coding change: c.1057A>G on transcript NM_024854.5 (MANE Select); coding-DNA position 1057, A replaced by G.
Protein change: p.Ile353Val; replaces isoleucine 353 with valine.
Molecular consequence: missense variant.
Genome position (GRCh38, 1-based): chr12:21,462,803, A>G. VCF-style: chr12-21462803-A-G. GRCh37 (hg19) VCF-style: chr12-21615737-A-G.
Other names: c.844A>G, p.Ile282Val (NM_001350912.2); c.280A>G, p.Ile94Val (NM_001350913.2); c.1057A>G (NM_024854.3); short protein forms I94V, I353V, I282V.
Identifiers: ClinVar variation 1520041 (VCV001520041.4), dbSNP rs762923417, ClinGen allele CA6478446.

ClinVar aggregate classification (germline): Conflicting classifications of pathogenicity. Review status: criteria provided, conflicting classifications (1 of 4 stars). 2 submissions from 2 submitters: Uncertain significance (1); Likely benign (1). Last evaluated 2022-10-24.

Conditions:
Inborn genetic diseases. Identifiers: MedGen C0950123, MeSH D030342.

Allele frequency attached by ClinVar (database versions not stated): TOPMed 0.00002; gnomAD exomes 0.00003 and 0.00006; ExAC 0.00004.
gnomAD v4.1: 18 of 1,614,036 alleles (0.0011%); highest among the groups gnomAD compares: Admixed American, 0.03%; no homozygotes.

Submissions (2):

Labcorp Genetics (formerly Invitae), Labcorp
Classification: Uncertain significance. Last evaluated: 2022-10-24. Review status: criteria provided, single submitter. Criteria: Invitae Variant Classification Sherloc (09022015). Collection method: clinical testing. Allele origin: germline.
Comment: This sequence change replaces isoleucine, which is neutral and non-polar, with valine, which is neutral and non-polar, at codon 353 of the PYROXD1 protein (p.Ile353Val). This variant is present in population databases (rs762923417, gnomAD 0.04%). This variant has not been reported in the literature in individuals affected with PYROXD1-related conditions. ClinVar contains an entry for this variant (Variation ID: 1520041). Advanced modeling of protein sequence and biophysical properties (such as structural, functional, and spatial information, amino acid conservation, physicochemical variation, residue mobility, and thermodynamic stability) performed at Invitae indicates that this missense variant is not expected to disrupt PYROXD1 protein function. In summary, the available evidence is currently insufficient to determine the role of this variant in disease. Therefore, it has been classified as a Variant of Uncertain Significance.

Ambry Genetics
Classification: Likely benign for Inborn genetic diseases. Last evaluated: 2021-10-20. Review status: criteria provided, single submitter. Criteria: Ambry Variant Classification Scheme 2023. Collection method: clinical testing. Allele origin: germline.